The following is an entry in ClinVar:

NM_001033046.4(CYBC1):c.214G>A (p.Asp72Asn)

Gene: CYBC1 (cytochrome b-245 chaperone 1; minus strand). Cytogenetic location: 17q25.3.
Variant type: single nucleotide variant.
Coding change: c.214G>A on transcript NM_001033046.4 (MANE Select); coding-DNA position 214, G replaced by A.
Protein change: p.Asp72Asn; replaces aspartic acid 72 with asparagine.
Molecular consequence: missense variant. On other transcripts: non-coding transcript variant (4).
Genome position (GRCh38, 1-based): chr17:82,445,948, C>T on the plus strand (G>A on the coding strand, the complement: CYBC1 is on the minus strand). VCF-style: chr17-82445948-C-T. GRCh37 (hg19) VCF-style: chr17-80403824-C-T.
Other names: c.214G>A, p.Asp72Asn (NM_001100407.3, NM_001193653.2, NM_001193654.2 and 2 more transcripts); c.172G>A, p.Asp58Asn (NM_001100408.3); short protein forms D72N, D58N.
Identifiers: ClinVar variation 2175788 (VCV002175788.1), dbSNP rs760847118, ClinGen allele CA8858298.

ClinVar aggregate classification (germline): Uncertain significance (1 of 4 stars; one submission).

Allele frequency attached by ClinVar (database versions not stated): TOPMed 0.00001; gnomAD 0.00003; gnomAD exomes 0.00007; ExAC 0.00016.
gnomAD v4.1: 112 of 1,613,408 alleles (0.0069%); highest among the groups gnomAD compares: South Asian, 0.094%; 1 homozygote.

Submission:

Labcorp Genetics (formerly Invitae), Labcorp
Classification: Uncertain significance. Last evaluated: 2022-05-22. Review status: criteria provided, single submitter. Criteria: Invitae Variant Classification Sherloc (09022015). Collection method: clinical testing. Allele origin: germline.
Comment: This sequence change replaces aspartic acid, which is acidic and polar, with asparagine, which is neutral and polar, at codon 72 of the C17orf62 protein (p.Asp72Asn). This variant is present in population databases (rs760847118, gnomAD 0.1%). This variant has not been reported in the literature in individuals affected with C17orf62-related conditions. Algorithms developed to predict the effect of missense changes on protein structure and function output the following: SIFT: "Tolerated"; PolyPhen-2: "Benign"; Align-GVGD: "Class C0". The asparagine amino acid residue is found in multiple mammalian species, which suggests that this missense change does not adversely affect protein function. In summary, the available evidence is currently insufficient to determine the role of this variant in disease. Therefore, it has been classified as a Variant of Uncertain Significance.